The following is an entry in ClinVar:

ClinVar aggregate classification (germline): Uncertain significance (1 of 4 stars; one submission).

gnomAD v4.1: 1 of 1,613,222 alleles (0.000062%); highest among the groups gnomAD compares: African/African-American, 0.0013%; no homozygotes.

Submission:

GeneDx
Classification: Uncertain significance. Last evaluated: 2024-03-12. Review status: criteria provided, single submitter. Criteria: GeneDx Variant Classification Process June 2021. Collection method: clinical testing. Allele origin: germline. Affected: yes.
Comment: Not observed at significant frequency in large population cohorts (gnomAD); In silico analysis supports that this missense variant does not alter protein structure/function; Has not been previously published as pathogenic or benign to our knowledge

NM_007118.4(TRIO):c.2067G>C (p.Glu689Asp)

Gene: TRIO (trio Rho guanine nucleotide exchange factor; plus strand). Cytogenetic location: 5p15.2.
Variant type: single nucleotide variant.
Coding change: c.2067G>C on transcript NM_007118.4 (MANE Select); coding-DNA position 2067, G replaced by C.
Protein change: p.Glu689Asp; replaces glutamic acid 689 with aspartic acid.
Molecular consequence: missense variant. On other transcripts: non-coding transcript variant (1).
Genome position (GRCh38, 1-based): chr5:14,358,198, G>C. VCF-style: chr5-14358198-G-C. GRCh37 (hg19) VCF-style: chr5-14358307-G-C.
Other names: short protein forms E689D.
Identifiers: ClinVar variation 1214710 (VCV001214710.4), dbSNP rs1743813042, ClinGen allele CA359204239.